The following is an entry in ClinVar:

NM_144997.7(FLCN):c.1246A>C (p.Asn416His)

Gene: FLCN (folliculin; minus strand). Cytogenetic location: 17p11.2.
Variant type: single nucleotide variant.
Coding change: c.1246A>C on transcript NM_144997.7 (MANE Select); coding-DNA position 1246, A replaced by C.
Protein change: p.Asn416His; replaces asparagine 416 with histidine.
Molecular consequence: missense variant.
Genome position (GRCh38, 1-based): chr17:17,216,434, T>G on the plus strand (A>C on the coding strand, the complement: FLCN is on the minus strand). VCF-style: chr17-17216434-T-G. GRCh37 (hg19) VCF-style: chr17-17119748-T-G.
Other names: c.1300A>C, p.Asn434His (NM_001353229.2); c.1246A>C, p.Asn416His (NM_001353230.2, NM_001353231.2); short protein forms N416H, N434H.
Identifiers: ClinVar variation 1759547 (VCV001759547.2), dbSNP rs2144858084, ClinGen allele CA398531761.

ClinVar aggregate classification (germline): Uncertain significance (1 of 4 stars; one submission).

Conditions:
Hereditary cancer-predisposing syndrome. Also called: Neoplastic Syndromes, Hereditary; Tumor predisposition; Hereditary Cancer Syndrome; Hereditary neoplastic syndrome. Identifiers: Orphanet 140162, MedGen C0027672, MeSH D009386, MONDO:0015356.

Submission:

Ambry Genetics
Classification: Uncertain significance for Hereditary cancer-predisposing syndrome. Last evaluated: 2022-01-30. Review status: criteria provided, single submitter. Criteria: Ambry Variant Classification Scheme 2023. Collection method: clinical testing. Allele origin: germline.
Comment: The p.N416H variant (also known as c.1246A>C), located in coding exon 8 of the FLCN gene, results from an A to C substitution at nucleotide position 1246. The asparagine at codon 416 is replaced by histidine, an amino acid with similar properties. This amino acid position is conserved. In addition, the in silico prediction for this alteration is inconclusive. Since supporting evidence is limited at this time, the clinical significance of this alteration remains unclear.